The following is an entry in ClinVar:

NM_005476.7(GNE):c.926dup (p.Ala310fs)

Gene: GNE (glucosamine (UDP-N-acetyl)-2-epimerase/N-acetylmannosamine kinase; minus strand). Cytogenetic location: 9p13.3.
Variant type: Duplication.
Coding change: c.926dup on transcript NM_005476.7 (MANE Select); coding-DNA position 926, one base duplicated (G; older notation c.926dupG).
Protein change: p.Ala310fs; shifts the reading frame from alanine 310.
Molecular consequence: frameshift variant.
Genome position (GRCh38, 1-based): chr9:36,233,976, C duplicated on the plus strand (G on the coding strand, the reverse complement: GNE is on the minus strand); the first of 2 consecutive C bases (chr9:36,233,976-36,233,977); duplicating either gives the same sequence. VCF-style (leftmost placement, unchanged base first): chr9-36233975-T-TC. GRCh37 (hg19) VCF-style: chr9-36233972-T-TC.
Other names: c.1019dup, p.Ala341fs (NM_001128227.3); c.926dup, p.Ala310fs (NM_001190383.3); c.596dup, p.Ala200fs (NM_001190384.3); c.749dup, p.Ala251fs (NM_001190388.2, NM_001374798.1); c.773dup, p.Ala259fs (NM_001374797.1); short protein forms A200fs, A251fs, A259fs, A310fs, A341fs.
Identifiers: ClinVar variation 1726155 (VCV001726155.2), dbSNP rs2489715838, ClinGen allele CA2580080518.

ClinVar aggregate classification (germline): Likely pathogenic (1 of 4 stars; one submission).

Conditions:
GNE myopathy (NM). Also called: MYOPATHY, DISTAL, WITH OR WITHOUT RIMMED VACUOLES; IBM 2; Inclusion body myopathy autosomal recessive; Inclusion body myopathy quadriceps sparing; NONAKA DISTAL MYOPATHY; INCLUSION BODY MYOPATHY, HEREDITARY, AUTOSOMAL RECESSIVE. Identifiers: Orphanet 602, MedGen C1853926, MONDO:0011603, OMIM 605820.

Submission:

Myriad Genetics, Inc.
Classification: Likely pathogenic for GNE myopathy. Last evaluated: 2022-05-18. Review status: criteria provided, single submitter. Criteria: Myriad Women's Health Autosomal Recessive and X-Linked Classification Criteria (2021). Collection method: clinical testing. Allele origin: unknown.
Comment: NM_001128227.2(GNE):c.1019dupG(A341Sfs*29) is expected to be pathogenic in the context of GNE myopathy. This variant is predicted to lead to an abnormal or absent protein product due to the creation of a premature termination codon in GNE, a gene where loss-of-function variants are known to be pathogenic. Please note: this variant was assessed in the context of healthy population screening.